The following is an entry in ClinVar:

ClinVar aggregate classification (germline): Uncertain significance (1 of 4 stars; one submission).

Allele frequency attached by ClinVar (database versions not stated): gnomAD exomes below 0.00001.
gnomAD v4.1: 3 of 1,614,100 alleles (0.00019%); highest among the groups gnomAD compares: Non-Finnish European, 0.00025%; no homozygotes.

Submission:

Labcorp Genetics (formerly Invitae), Labcorp
Classification: Uncertain significance. Last evaluated: 2022-07-25. Review status: criteria provided, single submitter. Criteria: Invitae Variant Classification Sherloc (09022015). Collection method: clinical testing. Allele origin: germline.
Comment: This variant has not been reported in the literature in individuals affected with FREM2-related conditions. This variant is not present in population databases (gnomAD no frequency). This sequence change replaces isoleucine, which is neutral and non-polar, with valine, which is neutral and non-polar, at codon 1295 of the FREM2 protein (p.Ile1295Val). Algorithms developed to predict the effect of missense changes on protein structure and function output the following: SIFT: "Tolerated"; PolyPhen-2: "Benign"; Align-GVGD: "Class C0". The valine amino acid residue is found in multiple mammalian species, which suggests that this missense change does not adversely affect protein function. In summary, the available evidence is currently insufficient to determine the role of this variant in disease. Therefore, it has been classified as a Variant of Uncertain Significance.

NM_207361.6(FREM2):c.3883A>G (p.Ile1295Val)

Gene: FREM2 (FRAS1 related extracellular matrix 2; plus strand). Cytogenetic location: 13q13.3.
Variant type: single nucleotide variant.
Coding change: c.3883A>G on transcript NM_207361.6 (MANE Select); coding-DNA position 3883, A replaced by G.
Protein change: p.Ile1295Val; replaces isoleucine 1295 with valine.
Molecular consequence: missense variant.
Genome position (GRCh38, 1-based): chr13:38,691,227, A>G. VCF-style: chr13-38691227-A-G. GRCh37 (hg19) VCF-style: chr13-39265364-A-G.
Other names: short protein forms I1295V.
Identifiers: ClinVar variation 2041959 (VCV002041959.4), dbSNP rs2541359263, ClinGen allele CA387891940.